The following is an entry in ClinVar:

ClinVar aggregate classification (germline): Benign. Review status: criteria provided, multiple submitters, no conflicts (2 of 4 stars). 8 submissions from 8 submitters: Benign (7). 1 of the submissions does not count toward it. Last evaluated 2026-02-04.

Conditions:
Usher syndrome type 1 (USH1). Also called: RETINITIS PIGMENTOSA AND CONGENITAL DEAFNESS. Identifiers: Orphanet 231169, Orphanet 886, MedGen C1568247, MONDO:0010168, OMIM 276900.
Usher syndrome type 1F (USH1F). Also called: USHER SYNDROME, TYPE IF. Identifiers: Orphanet 231169, Orphanet 886, MedGen C1865885, MONDO:0011186, OMIM 602083.

Allele frequency attached by ClinVar (database versions not stated): gnomAD exomes 0.00243 and 0.00610; ExAC 0.00721; gnomAD 0.02123 and 0.01996; TOPMed 0.02290; 1000 Genomes Project 30x 0.02467; ESP Exome Variant Server 0.02237; 1000 Genomes Project 0.02396.
gnomAD v4.1: 6,765 of 1,612,170 alleles (0.42%); highest among the groups gnomAD compares: African/African-American, 6.7%; 193 homozygotes.

Submissions (8):

Labcorp Genetics (formerly Invitae), Labcorp
Classification: Benign. Last evaluated: 2026-02-04. Review status: criteria provided, single submitter. Criteria: Invitae Variant Classification Sherloc (09022015). Collection method: clinical testing. Allele origin: germline.

Illumina Laboratory Services, Illumina
Classification: Benign for Usher syndrome type 1. Last evaluated: 2017-04-27. Review status: criteria provided, single submitter. Criteria: ICSL Variant Classification Criteria 13 December 2019. Collection method: clinical testing. Allele origin: germline.
Comment: This variant was observed as part of a predisposition screen in an ostensibly healthy population. A literature search was performed for the gene, cDNA change, and amino acid change (where applicable). No publications were found based on this search. Allele frequency data from public databases was too high to be consistent with this variant causing disease. Therefore, this variant is classified as benign.

GeneDx
Classification: Benign. Last evaluated: 2016-10-10. Review status: criteria provided, single submitter. Criteria: GeneDx Variant Classification (06012015). Collection method: clinical testing. Allele origin: germline. Affected: yes.
Comment: This variant is considered likely benign or benign based on one or more of the following criteria: it is a conservative change, it occurs at a poorly conserved position in the protein, it is predicted to be benign by multiple in silico algorithms, and/or has population frequency not consistent with disease.

Genomic Diagnostic Laboratory, Division of Genomic Diagnostics, Children's Hospital of Philadelphia
Classification: Benign. Last evaluated: 2015-02-05. Review status: criteria provided, single submitter. Criteria: DGD Variant Analysis Guidelines. Collection method: clinical testing. Allele origin: unknown.

Laboratory for Molecular Medicine, Mass General Brigham Personalized Medicine
Classification: Benign. Last evaluated: 2012-05-07. Review status: criteria provided, single submitter. Criteria: LMM Criteria. Collection method: clinical testing. Allele origin: germline. Observed: 38 variant alleles.
Comment: 3374-4C>T in Intron 25 of PCDH15: This variant is not expected to have clinical significance because it is not located within the conserved splice consensus seq uence and has been identified in 6.2% (231/3736) of African American chromosomes from a broad population by the NHLBI Exome Sequencing Project (dbSNP rs111739360).

Breakthrough Genomics
Classification: Benign. Review status: criteria provided, single submitter. Criteria: ACMG Guidelines, 2015. Collection method: not provided. Allele origin: germline. Inheritance: Autosomal recessive inheritance. Affected: yes.

PreventionGenetics, part of Exact Sciences
Classification: Benign. Review status: criteria provided, single submitter. Criteria: ACMG Guidelines, 2015. Collection method: clinical testing. Allele origin: germline.

Natera, Inc.
Classification: Benign for Usher syndrome type 1F. Last evaluated: 2020-09-16. Review status: no assertion criteria provided. Collection method: clinical testing. Allele origin: germline. Not counted in ClinVar's aggregate classification.

NM_001384140.1(PCDH15):c.3374-4C>T

Gene: PCDH15 (protocadherin related 15; minus strand). Cytogenetic location: 10q21.1.
Variant type: single nucleotide variant.
Coding change: c.3374-4C>T on transcript NM_001384140.1 (MANE Select); 4 bases into the intron before coding-DNA position 3374, C replaced by T.
Molecular consequence: intron variant.
Genome position (GRCh38, 1-based): chr10:53,903,374, G>A on the plus strand (C>T on the coding strand, the complement: PCDH15 is on the minus strand). VCF-style: chr10-53903374-G-A. GRCh37 (hg19) VCF-style: chr10-55663134-G-A.
Other names: c.3374-4C>T (NM_001354420.2, NM_001354429.2, NM_001142772.2 and 4 more transcripts); c.3389-4C>T (NM_001142771.2, NM_001142763.2); c.3395-4C>T (NM_001354411.2); c.3410-4C>T (NM_001142769.3); c.3308-4C>T (NM_001354404.2, NM_001142773.2, NM_001142768.2); c.3263-4C>T (NM_001142767.2); c.3161-4C>T (NM_001142765.2).
Identifiers: ClinVar variation 46466 (VCV000046466.22), dbSNP rs111739360, ClinGen allele CA248647.